The following is an entry in ClinVar:

NM_001312909.2(FAM111A):c.1625G>A (p.Gly542Asp)

Gene: FAM111A (FAM111 trypsin like peptidase A; plus strand). Cytogenetic location: 11q12.1.
Variant type: single nucleotide variant.
Coding change: c.1625G>A on transcript NM_001312909.2 (MANE Select); coding-DNA position 1625, G replaced by A.
Protein change: p.Gly542Asp; replaces glycine 542 with aspartic acid.
Molecular consequence: missense variant.
Genome position (GRCh38, 1-based): chr11:59,153,293, G>A. VCF-style: chr11-59153293-G-A. GRCh37 (hg19) VCF-style: chr11-58920766-G-A.
Other names: c.1625G>A, p.Gly542Asp (NM_001142519.3, NM_001142520.3, NM_001142521.3 and 29 more transcripts); short protein forms G542D.
Identifiers: ClinVar variation 2195411 (VCV002195411.4), dbSNP rs191855704, ClinGen allele CA6016800.

ClinVar aggregate classification (germline): Uncertain significance (1 of 4 stars; one submission).

Allele frequency attached by ClinVar (database versions not stated): gnomAD exomes 0.00001; ExAC 0.00002; TOPMed 0.00007; gnomAD 0.00012; 1000 Genomes Project 0.00040; 1000 Genomes Project 30x 0.00047.
gnomAD v4.1: 43 of 1,614,120 alleles (0.0027%); highest among the groups gnomAD compares: Admixed American, 0.053%; no homozygotes.

Submission:

Labcorp Genetics (formerly Invitae), Labcorp
Classification: Uncertain significance. Last evaluated: 2024-11-13. Review status: criteria provided, single submitter. Criteria: Invitae Variant Classification Sherloc (09022015). Collection method: clinical testing. Allele origin: germline.
Comment: This sequence change replaces glycine, which is neutral and non-polar, with aspartic acid, which is acidic and polar, at codon 542 of the FAM111A protein (p.Gly542Asp). This variant is present in population databases (rs191855704, gnomAD 0.04%), and has an allele count higher than expected for a pathogenic variant. This variant has not been reported in the literature in individuals affected with FAM111A-related conditions. ClinVar contains an entry for this variant (Variation ID: 2195411). Invitae Evidence Modeling of protein sequence and biophysical properties (such as structural, functional, and spatial information, amino acid conservation, physicochemical variation, residue mobility, and thermodynamic stability) indicates that this missense variant is expected to disrupt FAM111A protein function with a positive predictive value of 80%. In summary, the available evidence is currently insufficient to determine the role of this variant in disease. Therefore, it has been classified as a Variant of Uncertain Significance.